The following is an entry in ClinVar:

ClinVar aggregate classification (germline): Uncertain significance (1 of 4 stars; one submission).

Conditions:
Pancreatic adenocarcinoma. Identifiers: MedGen C0281361, MONDO:0006047, HP:0006725.

Allele frequency attached by ClinVar (database versions not stated): TOPMed below 0.00001; gnomAD 0.00001.
gnomAD v4.1: 4 of 1,486,758 alleles (0.00027%); highest among the groups gnomAD compares: Non-Finnish European, 0.00036%; no homozygotes.

Submission:

Labcorp Genetics (formerly Invitae), Labcorp
Classification: Uncertain significance for Pancreatic adenocarcinoma. Last evaluated: 2025-08-25. Review status: criteria provided, single submitter. Criteria: Invitae Variant Classification Sherloc (09022015). Collection method: clinical testing. Allele origin: germline.
Comment: This sequence change replaces proline, which is neutral and non-polar, with arginine, which is basic and polar, at codon 51 of the PALLD protein (p.Pro51Arg). This variant is not present in population databases (gnomAD no frequency). This variant has not been reported in the literature in individuals affected with PALLD-related conditions. ClinVar contains an entry for this variant (Variation ID: 2169608). An algorithm developed to predict the effect of missense changes on protein structure and function (PolyPhen-2) suggests that this variant is likely to be disruptive. In summary, the available evidence is currently insufficient to determine the role of this variant in disease. Therefore, it has been classified as a Variant of Uncertain Significance.

NM_001166108.2(PALLD):c.1965-12879C>G

Gene: PALLD (palladin, cytoskeletal associated protein; plus strand). Cytogenetic location: 4q32.3.
Variant type: single nucleotide variant.
Coding change: c.1965-12879C>G on transcript NM_001166108.2 (MANE Select); 12879 bases into the intron before coding-DNA position 1965, C replaced by G.
Molecular consequence: intron variant. On other transcripts: missense variant (1).
Genome position (GRCh38, 1-based): chr4:168,878,043, C>G. VCF-style: chr4-168878043-C-G. GRCh37 (hg19) VCF-style: chr4-169799194-C-G.
Other names: c.152C>G, p.Pro51Arg (NM_001166110.2); c.1965-12879C>G (NM_016081.4); c.819-12879C>G (NM_001166109.2); c.-157-12879C>G (NM_001367570.1, NM_001367568.1, NM_001367567.1 and 1 more transcripts); short protein forms P51R.
Identifiers: ClinVar variation 2169608 (VCV002169608.4), dbSNP rs958031030, ClinGen allele CA110515925.